The following is an entry in ClinVar:

ClinVar aggregate classification (germline): Uncertain significance (1 of 4 stars; one submission).

Conditions:
Muscular dystrophy-dystroglycanopathy (congenital with brain and eye anomalies), type A, 7. Also called: WALKER-WARBURG SYNDROME OR MUSCLE-EYE-BRAIN DISEASE, ISPD-RELATED; Congenital muscular dystrophy-dystroglycanopathy with brain and eye anomalies, type A7. Identifiers: Orphanet 899, MedGen C3553330, MONDO:0013835, OMIM 614643.
Autosomal recessive limb-girdle muscular dystrophy type 2U. Also called: Muscular dystrophy-dystroglycanopathy (limb-girdle), type c, 7; MUSCULAR DYSTROPHY, LIMB-GIRDLE, TYPE 2U. Identifiers: Orphanet 352479, MedGen C5190987, MONDO:0014474, OMIM 616052.

Allele frequency attached by ClinVar (database versions not stated): TOPMed below 0.00001.

Submission:

Labcorp Genetics (formerly Invitae), Labcorp
Classification: Uncertain significance for Muscular dystrophy-dystroglycanopathy (congenital with brain and eye anomalies), type A, 7; Autosomal recessive limb-girdle muscular dystrophy type 2U. Last evaluated: 2022-11-16. Review status: criteria provided, single submitter. Criteria: Invitae Variant Classification Sherloc (09022015). Collection method: clinical testing. Allele origin: germline.
Comment: This variant has not been reported in the literature in individuals affected with ISPD-related conditions. In summary, the available evidence is currently insufficient to determine the role of this variant in disease. Therefore, it has been classified as a Variant of Uncertain Significance. Variants that disrupt the consensus splice site are a relatively common cause of aberrant splicing (PMID: 17576681, 9536098). Algorithms developed to predict the effect of sequence changes on RNA splicing suggest that this variant is not likely to affect RNA splicing. ClinVar contains an entry for this variant (Variation ID: 1021880). This variant is not present in population databases (gnomAD no frequency). This sequence change affects codon 178 of the ISPD mRNA. It is a 'silent' change, meaning that it does not change the encoded amino acid sequence of the ISPD protein. This variant also falls at the last nucleotide of exon 2, which is part of the consensus splice site for this exon.

Literature cited by the submitters: PubMed 17576681; PubMed 9536098.

NM_001101426.4(CRPPA):c.534G>C (p.Gly178=)

Gene: CRPPA (CDP-L-ribitol pyrophosphorylase A; minus strand). Cytogenetic location: 7p21.2.
Variant type: single nucleotide variant.
Coding change: c.534G>C on transcript NM_001101426.4 (MANE Select); coding-DNA position 534, G replaced by C.
Protein change: p.Gly178=; no amino-acid change (glycine 178 retained).
Molecular consequence: synonymous variant. On other transcripts: non-coding transcript variant (1).
Genome position (GRCh38, 1-based): chr7:16,406,061, C>G on the plus strand (G>C on the coding strand, the complement: CRPPA is on the minus strand). VCF-style: chr7-16406061-C-G. GRCh37 (hg19) VCF-style: chr7-16445686-C-G.
Other names: c.534G>C, p.Gly178= (NM_001101417.4, NM_001368197.1).
Identifiers: ClinVar variation 1021880 (VCV001021880.8), dbSNP rs200798632, ClinGen allele CA454036698.
Genomic context (GRCh38, chr7:16,406,061, plus strand): 5'-GCAAATGAACCACACTACAGTGCTTGTCCCTTCTATCTAGACTCAAGAAAAAAGACTTAC[C>G]CCGTGTTCCTTAGCAGCTGTGACAACTTTAAGAAGGACACCTTCCTCAACAAATGGTCTC-3'
Protein context (NP_001094896.1, residues 168-188): LKVVTAAKEH[Gly178=]AAGAIRPLVS